The following is an entry in ClinVar:

ClinVar aggregate classification (germline): Uncertain significance. Review status: criteria provided, multiple submitters, no conflicts (2 of 4 stars). 7 submissions from 7 submitters: Uncertain significance (7). Last evaluated 2026-03-30.

Conditions:
SDHB-related disorder. Also called: SDHB-related condition; SDHB-related disorders. Identifiers: MedGen CN239418.
Pheochromocytoma/paraganglioma syndrome 4. Also called: CAROTID BODY TUMORS AND MULTIPLE EXTRAADRENAL PHEOCHROMOCYTOMAS; PARAGANGLIOMA, FAMILIAL MALIGNANT; PARAGANGLIOMAS, HEREDITARY EXTRAADRENAL; PHEOCHROMOCYTOMA, FAMILIAL EXTRAADRENAL; SDHB-Related Hereditary Paraganglioma-Pheochromocytoma Syndrome (Paragangliomas 4); SDHB-Related Hereditary Paraganglioma-Pheochromocytoma Syndrome. Identifiers: Orphanet 29072, MedGen C1861848, MONDO:0007273, OMIM 115310.
Gastrointestinal stromal tumor. Also called: Gastrointestinal stroma tumor; Gastrointestinal stromal tumor, somatic. Identifiers: Orphanet 44890, MedGen C0238198, MeSH D046152, MONDO:0011719, OMIM 606764, HP:0100723.
Pheochromocytoma. Also called: MAX-Related Hereditary Paraganglioma-Pheochromocytoma Syndrome. Identifiers: Orphanet 29072, MedGen C0031511, MONDO:0008233, OMIM 171300, HP:0002666.
Hereditary cancer-predisposing syndrome. Also called: Neoplastic Syndromes, Hereditary; Tumor predisposition; Hereditary Cancer Syndrome; Hereditary neoplastic syndrome. Identifiers: Orphanet 140162, MedGen C0027672, MeSH D009386, MONDO:0015356.
Hereditary pheochromocytoma and paraganglioma. Also called: Hereditary Paraganglioma-Pheochromocytoma Syndromes; Hereditary paragangliomas and pheochromocytomas; Hereditary pheochromocytoma-paraganglioma. Identifiers: Orphanet 29072, MedGen C4274332, MONDO:0017366.

Allele frequency attached by ClinVar (database versions not stated): gnomAD exomes below 0.00001; TOPMed 0.00001.
gnomAD v4.1: 1 of 1,613,980 alleles (0.000062%); highest among the groups gnomAD compares: Non-Finnish European, 0.000085%; no homozygotes.

Submissions (7):

Women's Health and Genetics/Laboratory Corporation of America, LabCorp
Classification: Uncertain significance. Last evaluated: 2026-03-30. Review status: criteria provided, single submitter. Criteria: LabCorp Variant Classification Summary - May 2015. Collection method: clinical testing. Allele origin: germline.
Comment: Variant summary: SDHB c.687G>C (p.Glu229Asp) results in a conservative amino acid change in the encoded protein sequence. Algorithms developed to predict the effect of missense changes on protein structure and function are either unavailable or do not agree on the potential impact of this missense change. The variant was absent in 251410 control chromosomes. The available data on variant occurrences in the general population are insufficient to allow any conclusion about variant significance. c.687G>C has been observed in one individual affected with stomach cancer (Rana_2024). These report(s) do not provide unequivocal conclusions about association of the variant with Pheochromocytoma. To our knowledge, no experimental evidence demonstrating an impact on protein function has been reported. The following publication has been ascertained in the context of this evaluation (PMID: 38473309). ClinVar contains an entry for this variant (Variation ID: 412458). Based on the evidence outlined above, the variant was classified as uncertain significance.

PreventionGenetics, part of Exact Sciences
Classification: Uncertain significance for SDHB-related condition. Last evaluated: 2026-02-16. Review status: criteria provided, single submitter. Criteria: ACMG Guidelines, 2015. Collection method: clinical testing. Allele origin: germline.
Comment: The SDHB c.687G>C variant is predicted to result in the amino acid substitution p.Glu229Asp. To our knowledge, this variant has not been reported in the literature or in a large population database (gnomad), indicating this variant is rare. In ClinVar, this variant is interpreted as uncertain (Variation ID: 412458). At this time, the clinical significance of this variant is uncertain due to the absence of conclusive functional and genetic evidence.

Labcorp Genetics (formerly Invitae), Labcorp
Classification: Uncertain significance for Gastrointestinal stromal tumor; Pheochromocytoma/paraganglioma syndrome 4; Pheochromocytoma. Last evaluated: 2025-08-17. Review status: criteria provided, single submitter. Criteria: Invitae Variant Classification Sherloc (09022015). Collection method: clinical testing. Allele origin: germline.
Comment: This sequence change replaces glutamic acid, which is acidic and polar, with aspartic acid, which is acidic and polar, at codon 229 of the SDHB protein (p.Glu229Asp). This variant is not present in population databases (gnomAD no frequency). This variant has not been reported in the literature in individuals affected with SDHB-related conditions. ClinVar contains an entry for this variant (Variation ID: 412458). Invitae Evidence Modeling of protein sequence and biophysical properties (such as structural, functional, and spatial information, amino acid conservation, physicochemical variation, residue mobility, and thermodynamic stability) indicates that this missense variant is not expected to disrupt SDHB protein function with a negative predictive value of 80%. In summary, the available evidence is currently insufficient to determine the role of this variant in disease. Therefore, it has been classified as a Variant of Uncertain Significance.

Color Diagnostics, LLC DBA Color Health
Classification: Uncertain significance for Hereditary pheochromocytoma and paraganglioma. Last evaluated: 2025-06-25. Review status: criteria provided, single submitter. Criteria: ACMG Guidelines, 2015. Collection method: clinical testing. Allele origin: germline.
Comment: This missense variant replaces glutamic acid with aspartic acid at codon 229 of the SDHB protein. Computational prediction is inconclusive regarding the impact of this variant on protein structure and function. To our knowledge, functional studies have not been reported for this variant. This variant has been reported in an individual lacking personal and family history of paraganglioma-pheochromocytoma syndrome (PMID: 38473309). This variant has not been identified in the general population by the Genome Aggregation Database (gnomAD). The available evidence is insufficient to determine the role of this variant in disease conclusively. Therefore, this variant is classified as a Variant of Uncertain Significance.

Ambry Genetics
Classification: Uncertain significance for Hereditary cancer-predisposing syndrome. Last evaluated: 2025-02-17. Review status: criteria provided, single submitter. Criteria: Ambry Variant Classification Scheme 2023. Collection method: clinical testing. Allele origin: germline.
Comment: The p.E229D variant (also known as c.687G>C), located in coding exon 7 of the SDHB gene, results from a G to C substitution at nucleotide position 687. The glutamic acid at codon 229 is replaced by aspartic acid, an amino acid with highly similar properties. This amino acid position is highly conserved in available vertebrate species. In addition, the in silico prediction for this alteration is inconclusive. Since supporting evidence is limited at this time, the clinical significance of this alteration remains unclear.

GeneDx
Classification: Uncertain significance. Last evaluated: 2024-12-31. Review status: criteria provided, single submitter. Criteria: GeneDx Variant Classification Process June 2021. Collection method: clinical testing. Allele origin: germline. Affected: yes.
Comment: Not observed at significant frequency in large population cohorts (gnomAD); In silico analysis indicates that this missense variant does not alter protein structure/function; Observed in a patient with stomach cancer (PMID: 38473309); This variant is associated with the following publications: (PMID: 38473309)

All of Us Research Program, National Institutes of Health
Classification: Uncertain significance for Hereditary pheochromocytoma and paraganglioma. Last evaluated: 2023-11-30. Review status: criteria provided, single submitter. Criteria: ACMG Guidelines, 2015. Collection method: clinical testing. Allele origin: germline. Inheritance: Autosomal dominant inheritance. Observed: 1 variant allele, 1 heterozygote.
Comment: This study involves interpretation of variants in research participants for the purpose of population health screening. Participant phenotype was not available at the time of variant classification. Additional details can be found in publication PMID: 35346344, PMCID: PMC8962531

Literature cited by the submitters: PubMed 38473309 (cited by Women's Health and Genetics/Laboratory Corporation of America, LabCorp and Color Diagnostics, LLC DBA Color Health).

NM_003000.3(SDHB):c.687G>C (p.Glu229Asp)

Gene: SDHB (succinate dehydrogenase complex iron sulfur subunit B; minus strand). Cytogenetic location: 1p36.13.
Variant type: single nucleotide variant.
Coding change: c.687G>C on transcript NM_003000.3 (MANE Select); coding-DNA position 687, G replaced by C.
Protein change: p.Glu229Asp; replaces glutamic acid 229 with aspartic acid.
Molecular consequence: missense variant.
Genome position (GRCh38, 1-based): chr1:17,022,686, C>G on the plus strand (G>C on the coding strand, the complement: SDHB is on the minus strand). VCF-style: chr1-17022686-C-G. GRCh37 (hg19) VCF-style: chr1-17349181-C-G.
Other names: short protein forms E229D.
Identifiers: ClinVar variation 412458 (VCV000412458.15), dbSNP rs1060503754, ClinGen allele CA16609929.
Genomic context (GRCh38, chr1:17,022,686, plus strand): 5'-GCAGTTCATGATGGTGTGGCAGCGGTATAGAGAGAATGGGTCCTGCAGCTTGGCCAGGCG[C>G]TCCTCTGTGAAGTCATCTCTGGAGTCAATCATCCAGCGATAGGCCTGGAAAACCAGGGAT-3'
Protein context (NP_002991.2, residues 219-239): MIDSRDDFTE[Glu229Asp]RLAKLQDPFS